The following is an entry in ClinVar:

NM_000059.4(BRCA2):c.9746C>T (p.Thr3249Ile)

Gene: BRCA2 (BRCA2 DNA repair associated; plus strand). Cytogenetic location: 13q13.1.
Variant type: single nucleotide variant.
Coding change: c.9746C>T on transcript NM_000059.4 (MANE Select); coding-DNA position 9746, C replaced by T.
Protein change: p.Thr3249Ile; replaces threonine 3249 with isoleucine.
Molecular consequence: missense variant.
Genome position (GRCh38, 1-based): chr13:32,398,259, C>T. VCF-style: chr13-32398259-C-T. GRCh37 (hg19) VCF-style: chr13-32972396-C-T.
Other names: short protein forms T3249I.
Identifiers: ClinVar variation 491389 (VCV000491389.21), dbSNP rs1555289943, ClinGen allele CA387765648.
Genomic context (GRCh38, chr13:32,398,259, plus strand): 5'-CTTTATCACTTTGTATGGCCAAAAGGAAGTCTGTTTCCACACCTGTCTCAGCCCAGATGA[C>T]TTCAAAGTCTTGTAAAGGGGAGAAAGAGATTGATGACCAAAAGAACTGCAAAAAGAGAAG-3'
Protein context (NP_000050.3, residues 3239-3259): SVSTPVSAQM[Thr3249Ile]SKSCKGEKEI

ClinVar aggregate classification (germline): Uncertain significance. Review status: criteria provided, multiple submitters, no conflicts (2 of 4 stars). 4 submissions from 4 submitters: Uncertain significance (3). 1 of the submissions does not count toward it. Last evaluated 2025-07-17.

Conditions:
Hereditary cancer-predisposing syndrome. Also called: Tumor predisposition; Neoplastic Syndromes, Hereditary; Hereditary Cancer Syndrome; Hereditary neoplastic syndrome. Identifiers: Orphanet 140162, MedGen C0027672, MeSH D009386, MONDO:0015356.
Hereditary breast ovarian cancer syndrome. Also called: Hereditary breast and ovarian cancer; Hereditary breast and ovarian cancer syndrome (HBOC); BRCA1- and BRCA2-Associated Hereditary Breast and Ovarian Cancer; Breast and ovarian cancer; Hereditary breast and ovarian cancer syndrome; Hereditary breast and/or ovarian cancer syndrome. Identifiers: Orphanet 145, MedGen C0677776, MeSH D061325, MONDO:0003582. Disease mechanism: loss of function.
Breast-ovarian cancer, familial, susceptibility to, 2 (BROVCA2). Also called: BRCA2 Hereditary Breast and Ovarian Cancer. Identifiers: Orphanet 145, MedGen C2675520, MONDO:0012933, OMIM 612555. Disease mechanism: loss of function.

Allele frequency attached by ClinVar (database versions not stated): TOPMed below 0.00001; gnomAD exomes 0.00001.
gnomAD v4.1: 9 of 1,614,120 alleles (0.00056%); highest among the groups gnomAD compares: Non-Finnish European, 0.00076%; no homozygotes.

Submissions (4):

Ambry Genetics
Classification: Uncertain significance for Hereditary cancer-predisposing syndrome. Last evaluated: 2025-07-17. Review status: criteria provided, single submitter. Criteria: Ambry Variant Classification Scheme 2023. Collection method: clinical testing. Allele origin: germline.
Comment: The p.T3249I variant (also known as c.9746C>T), located in coding exon 26 of the BRCA2 gene, results from a C to T substitution at nucleotide position 9746. The threonine at codon 3249 is replaced by isoleucine, an amino acid with similar properties. This alteration has been reported in a cohort of men with prostate cancer aged between 36 and 88 years (Kote-Jarai Z et al. Br. J. Cancer, 2011 Oct;105:1230-4). This amino acid position is not well conserved in available vertebrate species. In addition, this alteration is predicted to be tolerated by in silico analysis. Based on the available evidence, the clinical significance of this variant remains unclear.

Labcorp Genetics (formerly Invitae), Labcorp
Classification: Uncertain significance for Hereditary breast ovarian cancer syndrome. Last evaluated: 2024-07-23. Review status: criteria provided, single submitter. Criteria: Invitae Variant Classification Sherloc (09022015). Collection method: clinical testing. Allele origin: germline.
Comment: This sequence change replaces threonine, which is neutral and polar, with isoleucine, which is neutral and non-polar, at codon 3249 of the BRCA2 protein (p.Thr3249Ile). This variant is not present in population databases (gnomAD no frequency). This missense change has been observed in individual(s) with prostate cancer (PMID: 21952622). ClinVar contains an entry for this variant (Variation ID: 491389). Advanced modeling of protein sequence and biophysical properties (such as structural, functional, and spatial information, amino acid conservation, physicochemical variation, residue mobility, and thermodynamic stability) performed at Invitae indicates that this missense variant is not expected to disrupt BRCA2 protein function with a negative predictive value of 95%. In summary, the available evidence is currently insufficient to determine the role of this variant in disease. Therefore, it has been classified as a Variant of Uncertain Significance.

Color Diagnostics, LLC DBA Color Health
Classification: Uncertain significance for Hereditary cancer-predisposing syndrome. Last evaluated: 2024-06-14. Review status: criteria provided, single submitter. Criteria: ACMG Guidelines, 2015. Collection method: clinical testing. Allele origin: germline.
Comment: This missense variant replaces threonine with isoleucine at codon 3249 of the BRCA2 protein. Computational prediction suggests that this variant may not impact protein structure and function (internally defined REVEL score threshold <= 0.5, PMID: 27666373). To our knowledge, functional studies have not been reported for this variant. This variant has been reported in at least one individual in a cohort affected with prostate cancer (PMID: 21952622). This variant has not been identified in the general population by the Genome Aggregation Database (gnomAD). The available evidence is insufficient to determine the role of this variant in disease conclusively. Therefore, this variant is classified as a Variant of Uncertain Significance.

Counsyl
Classification: Uncertain significance for Breast-ovarian cancer, familial, susceptibility to, 2. Last evaluated: 2017-06-05. Review status: no assertion criteria provided. Collection method: clinical testing. Allele origin: unknown. Not counted in ClinVar's aggregate classification.

Literature cited by the submitters: PubMed 21952622 (cited by 4 submitters).